The following is an entry in ClinVar:

NM_000465.4(BARD1):c.1825G>A (p.Val609Ile)

Gene: BARD1 (BRCA1 associated RING domain 1; minus strand). Cytogenetic location: 2q35.
Variant type: single nucleotide variant.
Coding change: c.1825G>A on transcript NM_000465.4 (MANE Select); coding-DNA position 1825, G replaced by A.
Protein change: p.Val609Ile; replaces valine 609 with isoleucine.
Molecular consequence: missense variant. On other transcripts: non-coding transcript variant (3), intron variant (1).
Genome position (GRCh38, 1-based): chr2:214,745,145, C>T on the plus strand (G>A on the coding strand, the complement: BARD1 is on the minus strand). VCF-style: chr2-214745145-C-T. GRCh37 (hg19) VCF-style: chr2-215609869-C-T.
Other names: c.1768G>A, p.Val590Ile (NM_001282543.2); c.472G>A, p.Val158Ile (NM_001282545.2); c.415G>A, p.Val139Ile (NM_001282548.2); c.365-14637G>A (NM_001282549.2); short protein forms V139I, V158I, V590I, V609I.
Identifiers: ClinVar variation 970121 (VCV000970121.10), dbSNP rs1023863994, ClinGen allele CA350452311.

ClinVar aggregate classification (germline): Uncertain significance (1 of 4 stars; one submission).

Conditions:
Familial cancer of breast. Also called: hereditary breast carcinoma; Hereditary breast cancer; BREAST CANCER, FAMILIAL. Identifiers: Orphanet 227535, MedGen C0346153, MONDO:0016419, OMIM 114480. Disease mechanism: loss of function.

Submission:

Labcorp Genetics (formerly Invitae), Labcorp
Classification: Uncertain significance for Familial cancer of breast. Last evaluated: 2019-10-31. Review status: criteria provided, single submitter. Criteria: Invitae Variant Classification Sherloc (09022015). Collection method: clinical testing. Allele origin: germline.
Comment: In summary, the available evidence is currently insufficient to determine the role of this variant in disease. Therefore, it has been classified as a Variant of Uncertain Significance. Algorithms developed to predict the effect of missense changes on protein structure and function output the following: SIFT: "Tolerated"; PolyPhen-2: "Benign"; Align-GVGD: "Class C0". The isoleucine amino acid residue is found in multiple mammalian species, suggesting that this missense change does not adversely affect protein function. These predictions have not been confirmed by published functional studies and their clinical significance is uncertain. This variant has not been reported in the literature in individuals with BARD1-related conditions. This variant is not present in population databases (ExAC no frequency). This sequence change replaces valine with isoleucine at codon 609 of the BARD1 protein (p.Val609Ile). The valine residue is highly conserved and there is a small physicochemical difference between valine and isoleucine.